The following is an entry in ClinVar:

NM_003072.5(SMARCA4):c.1053C>T (p.Arg351=)

Gene: SMARCA4 (SWI/SNF related BAF chromatin remodeling complex subunit ATPase 4; plus strand). Cytogenetic location: 19p13.2.
Variant type: single nucleotide variant.
Coding change: c.1053C>T on transcript NM_003072.5 (MANE Select); coding-DNA position 1053, C replaced by T.
Protein change: p.Arg351=; no amino-acid change (arginine 351 retained).
Molecular consequence: synonymous variant. On other transcripts: non-coding transcript variant (1).
Genome position (GRCh38, 1-based): chr19:10,987,859, C>T. VCF-style: chr19-10987859-C-T. GRCh37 (hg19) VCF-style: chr19-11098535-C-T.
Other names: c.1053C>T, p.Arg351= (NM_001128844.3, NM_001128845.2, NM_001128846.2 and 5 more transcripts).
Identifiers: ClinVar variation 537877 (VCV000537877.12), dbSNP rs1555755220, ClinGen allele CA505489737.

ClinVar aggregate classification (germline): Benign/Likely benign. Review status: criteria provided, multiple submitters, no conflicts (2 of 4 stars). 4 submissions from 4 submitters: Benign (1); Likely benign (3). Last evaluated 2026-07-09.

Conditions:
Rhabdoid tumor predisposition syndrome 2 (RTPS2). Identifiers: Orphanet 231108, Orphanet 69077, MedGen C2750074, MONDO:0013224, OMIM 613325.
Hereditary cancer-predisposing syndrome. Also called: Tumor predisposition; Neoplastic Syndromes, Hereditary; Hereditary Cancer Syndrome; Hereditary neoplastic syndrome. Identifiers: Orphanet 140162, MedGen C0027672, MeSH D009386, MONDO:0015356.

Submissions (4):

Myriad Genetics, Inc.
Classification: Benign for Rhabdoid tumor predisposition syndrome 2. Last evaluated: 2026-07-09. Review status: criteria provided, single submitter. Criteria: Myriad Autosomal Dominant, Autosomal Recessive and X-Linked Classification Criteria (2023). Collection method: clinical testing. Allele origin: unknown.
Comment: This variant is considered benign. This variant is a silent/synonymous amino acid change and it is not expected to impact splicing.

Labcorp Genetics (formerly Invitae), Labcorp
Classification: Likely benign for Rhabdoid tumor predisposition syndrome 2. Last evaluated: 2024-12-27. Review status: criteria provided, single submitter. Criteria: Invitae Variant Classification Sherloc (09022015). Collection method: clinical testing. Allele origin: germline.

Ambry Genetics
Classification: Likely benign for Hereditary cancer-predisposing syndrome. Last evaluated: 2024-06-30. Review status: criteria provided, single submitter. Criteria: Ambry Variant Classification Scheme 2023. Collection method: clinical testing. Allele origin: germline.

Sema4
Classification: Likely benign for Hereditary cancer-predisposing syndrome. Last evaluated: 2021-02-11. Review status: criteria provided, single submitter. Criteria: Sema4 Curation Guidelines. Collection method: curation. Allele origin: germline.